The following is an entry in ClinVar:

NM_001429.4(EP300):c.5102A>G (p.His1701Arg)

Gene: EP300 (E1A binding protein p300; plus strand). Cytogenetic location: 22q13.2.
Variant type: single nucleotide variant.
Coding change: c.5102A>G on transcript NM_001429.4 (MANE Select); coding-DNA position 5102, A replaced by G.
Protein change: p.His1701Arg; replaces histidine 1701 with arginine.
Molecular consequence: missense variant.
Genome position (GRCh38, 1-based): chr22:41,176,813, A>G. VCF-style: chr22-41176813-A-G. GRCh37 (hg19) VCF-style: chr22-41572817-A-G.
Other names: c.5024A>G, p.His1675Arg (NM_001362843.2); short protein forms H1675R, H1701R.
Identifiers: ClinVar variation 3343673 (VCV003343673.1).

ClinVar aggregate classification (germline): Uncertain significance (1 of 4 stars; one submission).

Submission:

GeneDx
Classification: Uncertain significance. Last evaluated: 2023-05-23. Review status: criteria provided, single submitter. Criteria: GeneDx Variant Classification Process June 2021. Collection method: clinical testing. Allele origin: germline. Affected: yes.
Comment: Not observed at significant frequency in large population cohorts (gnomAD); In silico analysis supports that this missense variant has a deleterious effect on protein structure/function; Has not been previously published as pathogenic or benign to our knowledge